The following is an entry in ClinVar:

ClinVar aggregate classification (germline): Benign. Review status: criteria provided, multiple submitters, no conflicts (2 of 4 stars). 10 submissions from 10 submitters: Benign (8). 2 of the submissions do not count toward it. Last evaluated 2026-02-04.

Conditions:
Dilated cardiomyopathy 1JJ (CMD1JJ). Identifiers: Orphanet 154, MedGen C3808935, MONDO:0014095, OMIM 615235.

Allele frequency attached by ClinVar (database versions not stated): gnomAD exomes 0.77491 and 0.73178; gnomAD 0.77529 and 0.77184; TOPMed 0.77914; ESP Exome Variant Server 0.75273; ExAC 0.76937; 1000 Genomes Project 30x 0.83885; 1000 Genomes Project 0.84046.
gnomAD v4.1: 1,174,003 of 1,594,090 alleles (74%); highest among the groups gnomAD compares: African/African-American, 87%; 436,102 homozygotes.

Submissions (10):

Labcorp Genetics (formerly Invitae), Labcorp
Classification: Benign for Dilated cardiomyopathy 1JJ. Last evaluated: 2026-02-04. Review status: criteria provided, single submitter. Criteria: Invitae Variant Classification Sherloc (09022015). Collection method: clinical testing. Allele origin: germline.

Blueprint Genetics
Classification: Benign. Last evaluated: 2024-11-27. Review status: criteria provided, single submitter. Criteria: ACMG Guidelines, 2015. Collection method: clinical testing. Allele origin: germline.

Women's Health and Genetics/Laboratory Corporation of America, LabCorp
Classification: Benign. Last evaluated: 2023-04-04. Review status: criteria provided, single submitter. Criteria: LabCorp Variant Classification Summary - May 2015. Collection method: clinical testing. Allele origin: germline.

Genome-Nilou Lab
Classification: Benign for Dilated cardiomyopathy 1JJ. Last evaluated: 2021-08-19. Review status: criteria provided, single submitter. Criteria: ACMG Guidelines, 2015. Collection method: clinical testing. Allele origin: germline. Affected: no.

Clinical Genetics DNA and cytogenetics Diagnostics Lab, Erasmus MC, Erasmus Medical Center
Classification: Benign for Dilated cardiomyopathy 1JJ. Last evaluated: 2015-09-21. Review status: criteria provided, single submitter. Criteria: ACGS Guidelines, 2013. Collection method: clinical testing. Allele origin: germline. Affected: yes. Study: VKGL Data-share Consensus.

GeneDx
Classification: Benign. Last evaluated: 2013-11-22. Review status: criteria provided, single submitter. Criteria: GeneDx Variant Classification (06012015). Collection method: clinical testing. Allele origin: germline. Affected: yes.
Comment: This variant is considered likely benign or benign based on one or more of the following criteria: it is a conservative change, it occurs at a poorly conserved position in the protein, it is predicted to be benign by multiple in silico algorithms, and/or has population frequency not consistent with disease.

Laboratory for Molecular Medicine, Mass General Brigham Personalized Medicine
Classification: Benign. Last evaluated: 2011-09-16. Review status: criteria provided, single submitter. Criteria: LMM Criteria. Collection method: clinical testing. Allele origin: germline. Observed: 1,567 variant alleles.

PreventionGenetics, part of Exact Sciences
Classification: Benign. Review status: criteria provided, single submitter. Criteria: ACMG Guidelines, 2015. Collection method: clinical testing. Allele origin: germline.

Clinical Genetics, Academic Medical Center
Classification: Benign. Review status: no assertion criteria provided. Collection method: clinical testing. Allele origin: germline. Affected: yes. Study: VKGL Data-share Consensus. Not counted in ClinVar's aggregate classification.

Diagnostic Laboratory, Department of Genetics, University Medical Center Groningen
Classification: Benign for Dilated cardiomyopathy 1JJ. Review status: no assertion criteria provided. Collection method: clinical testing. Allele origin: germline. Affected: yes. Study: VKGL Data-share Consensus. Not counted in ClinVar's aggregate classification.

NM_001105206.3(LAMA4):c.3283-15C>T

Gene: LAMA4 (laminin subunit alpha 4; minus strand). Cytogenetic location: 6q21.
Variant type: single nucleotide variant.
Coding change: c.3283-15C>T on transcript NM_001105206.3 (MANE Select); 15 bases into the intron before coding-DNA position 3283, C replaced by T.
Molecular consequence: intron variant.
Genome position (GRCh38, 1-based): chr6:112,136,269, G>A on the plus strand (C>T on the coding strand, the complement: LAMA4 is on the minus strand). VCF-style: chr6-112136269-G-A. GRCh37 (hg19) VCF-style: chr6-112457471-G-A.
Other names: c.3262-15C>T (NM_002290.5, NM_001105207.3).
Identifiers: ClinVar variation 44375 (VCV000044375.20), dbSNP rs2032568, ClinGen allele CA282374.